The following is an entry in ClinVar:

ClinVar aggregate classification (germline): Benign/Likely benign. Review status: criteria provided, multiple submitters, no conflicts (2 of 4 stars). 11 submissions from 11 submitters: Benign (7); Likely benign (2). 2 of the submissions do not count toward it. Last evaluated 2026-02-04.

Conditions:
THBD-related disorder. Also called: THBD-related condition.
Atypical hemolytic-uremic syndrome. Identifiers: Orphanet 2134, MedGen C2931788, MONDO:0016244.
Atypical hemolytic-uremic syndrome with thrombomodulin anomaly. Also called: HEMOLYTIC UREMIC SYNDROME, ATYPICAL, SUSCEPTIBILITY TO, 6; AHUS, SUSCEPTIBILITY TO, 6. Identifiers: MedGen C2752036, MONDO:0013044, OMIM 612926. Disease mechanism: gain of function.
Thrombomodulin-related bleeding disorder (THPH12). Also called: Thrombophilia due to thrombomodulin defect. Identifiers: Orphanet 436169, MedGen C3280976, MONDO:0013775, OMIM 614486.
Variant of unknown significance. Identifiers: MedGen C2986382.

Allele frequency attached by ClinVar (database versions not stated): ESP Exome Variant Server 0.13788; TOPMed 0.13807; gnomAD 0.15009 and 0.15322; 1000 Genomes Project 30x 0.15568; 1000 Genomes Project 0.16454; gnomAD exomes 0.19147; ExAC 0.19969.
gnomAD v4.1: 298,724 of 1,611,792 alleles (19%); highest among the groups gnomAD compares: East Asian, 28%; 29,920 homozygotes.

Submissions (11):

Labcorp Genetics (formerly Invitae), Labcorp
Classification: Benign. Last evaluated: 2026-02-04. Review status: criteria provided, single submitter. Criteria: Invitae Variant Classification Sherloc (09022015). Collection method: clinical testing. Allele origin: germline.

Women's Health and Genetics/Laboratory Corporation of America, LabCorp
Classification: Likely benign. Last evaluated: 2026-01-21. Review status: criteria provided, single submitter. Criteria: LabCorp Variant Classification Summary - May 2015. Collection method: clinical testing. Allele origin: germline.

Genomenon, Inc
Classification: Benign for Thrombomodulin-related bleeding disorder. Last evaluated: 2025-09-22. Review status: criteria provided, single submitter. Criteria: Genomenon Sequence Variant Interpretation Standards - Updated. Collection method: curation. Allele origin: germline. Affected: no.
Comment: THBD p.Ala473Val (c.1418C>T) is a missense variant that changes the amino acid at residue 473 from Alanine to Valine. This variant is present at high allele frequency in population databases. In conclusion, we classify THBD p.Ala473Val (c.1418C>T) as a benign variant.

Blueprint Genetics
Classification: Likely benign. Last evaluated: 2024-11-28. Review status: criteria provided, single submitter. Criteria: ACMG Guidelines, 2015. Collection method: clinical testing. Allele origin: germline.

Genome Diagnostics Laboratory, The Hospital for Sick Children
Classification: Benign for Atypical hemolytic-uremic syndrome. Last evaluated: 2022-10-05. Review status: criteria provided, single submitter. Criteria: ACMG Guidelines, 2015. Collection method: clinical testing. Allele origin: germline.

Mayo Clinic Laboratories, Mayo Clinic
Classification: Benign. Last evaluated: 2022-09-22. Review status: criteria provided, single submitter. Criteria: ACMG Guidelines, 2015. Collection method: clinical testing. Allele origin: germline. Observed: 955 variant alleles.
Comment: BA1, BP4

GeneDx
Classification: Benign. Last evaluated: 2020-08-20. Review status: criteria provided, single submitter. Criteria: GeneDx Variant Classification Process June 2021. Collection method: clinical testing. Allele origin: germline. Affected: yes.
Comment: This variant is associated with the following publications: (PMID: 23332921, 23520161, 9157575, 29592796, 33103541)

Illumina Laboratory Services, Illumina
Classification: Benign for Atypical hemolytic-uremic syndrome with thrombomodulin anomaly. Last evaluated: 2018-03-06. Review status: criteria provided, single submitter. Criteria: ICSL Variant Classification Criteria 13 December 2019. Collection method: clinical testing. Allele origin: germline.
Comment: This variant was observed in the ICSL laboratory as part of a predisposition screen in an ostensibly healthy population. It had not been previously curated by ICSL or reported in the Human Gene Mutation Database (HGMD: prior to June 1st, 2018), and was therefore a candidate for classification through an automated scoring system. Utilizing variant allele frequency, disease prevalence and penetrance estimates, and inheritance mode, an automated score was calculated to assess if this variant is too frequent to cause the disease. Based on the score and internal cut-off values, a variant classified as benign is not then subjected to further curation. The score for this variant resulted in a classification of benign for this disease.

Breakthrough Genomics
Classification: Benign. Review status: criteria provided, single submitter. Criteria: ACMG Guidelines, 2015. Collection method: not provided. Allele origin: germline. Inheritance: Autosomal dominant inheritance. Affected: yes.

PreventionGenetics, part of Exact Sciences
Classification: Benign for THBD-related condition. Last evaluated: 2024-01-28. Review status: no assertion criteria provided. Collection method: clinical testing. Allele origin: germline. Not counted in ClinVar's aggregate classification.
Comment: This variant is classified as benign based on ACMG/AMP sequence variant interpretation guidelines (Richards et al. 2015 PMID: 25741868, with internal and published modifications).

OMIM
Classification: Uncertain significance for VARIANT OF UNKNOWN SIGNIFICANCE. Last evaluated: 2004-12-01. Review status: no assertion criteria provided. Collection method: literature only. Allele origin: germline. Not counted in ClinVar's aggregate classification.

Literature cited by the submitters: PubMed 15574195 (cited by OMIM); PubMed 9157575 (cited by OMIM); PubMed 9236408 (cited by OMIM); PubMed 11245641 (cited by OMIM); PubMed 12139752 (cited by OMIM).

NM_000361.3(THBD):c.1418C>T (p.Ala473Val)

Gene: THBD (thrombomodulin; minus strand). Cytogenetic location: 20p11.21.
Variant type: single nucleotide variant.
Coding change: c.1418C>T on transcript NM_000361.3 (MANE Select); coding-DNA position 1418, C replaced by T.
Protein change: p.Ala473Val; replaces alanine 473 with valine.
Molecular consequence: missense variant.
Genome position (GRCh38, 1-based): chr20:23,048,087, G>A on the plus strand (C>T on the coding strand, the complement: THBD is on the minus strand). VCF-style: chr20-23048087-G-A. GRCh37 (hg19) VCF-style: chr20-23028724-G-A.
Other names: A455V; short protein forms A473V.
Identifiers: ClinVar variation 337883 (VCV000337883.30), dbSNP rs1042579, ClinGen allele CA9787562.
Genomic context (GRCh38, chr20:23,048,087, plus strand): 5'-CCAGAGCCGCTGTCGCCACCGTCCACCTTGCCGGAGTCACAGTCGGTGCCAATGTGGCGG[G>A]CAAGGGCCGAGTCGGGCCCGCAGATGCACTCGAAGGTACCGGGGAGGTTGTGGCACACCC-3'
Protein context (NP_000352.1, residues 463-483): ECICGPDSAL[Ala473Val]RHIGTDCDSG